The following is an entry in ClinVar:

ClinVar aggregate classification (germline): Conflicting classifications of pathogenicity. Review status: criteria provided, conflicting classifications (1 of 4 stars). 3 submissions from 3 submitters: Uncertain significance (1); Likely benign (1). 1 of the submissions does not count toward it. Last evaluated 2025-12-14.

Conditions:
Cardiovascular phenotype. Identifiers: MedGen CN230736.
Duchenne muscular dystrophy (DMD). Also called: MUSCULAR DYSTROPHY, PSEUDOHYPERTROPHIC PROGRESSIVE, DUCHENNE TYPE; Duchenne Muscular Dystrophy (DMD). Identifiers: Orphanet 98896, MedGen C0013264, MONDO:0010679, OMIM 310200.
Dystrophin deficiency.
Becker muscular dystrophy (BMD). Also called: MUSCULAR DYSTROPHY, PSEUDOHYPERTROPHIC PROGRESSIVE, BECKER TYPE; Becker Muscular Dystrophy (BMD). Identifiers: Orphanet 98895, MedGen C0917713, MONDO:0010311, OMIM 300376.
Cardiomyopathy (CMYO). Also called: Cardiomyopathies. Identifiers: Orphanet 167848, MedGen C0878544, MONDO:0004994, HP:0001638. Inheritance: Various modes of inheritance.

Allele frequency attached by ClinVar (database versions not stated): gnomAD 0.00003; TOPMed 0.00003; ESP Exome Variant Server 0.00009.
gnomAD v4.1: 44 of 1,206,590 alleles (0.0036%); highest among the groups gnomAD compares: Middle Eastern, 0.023%; no homozygotes.

Submissions (3):

Labcorp Genetics (formerly Invitae), Labcorp
Classification: Likely benign for Duchenne muscular dystrophy. Last evaluated: 2025-12-14. Review status: criteria provided, single submitter. Criteria: Invitae Variant Classification Sherloc (09022015). Collection method: clinical testing. Allele origin: germline.

Ambry Genetics
Classification: Uncertain significance for Cardiovascular phenotype. Last evaluated: 2025-04-14. Review status: criteria provided, single submitter. Criteria: Ambry Variant Classification Scheme 2023. Collection method: clinical testing. Allele origin: germline.
Comment: The p.R3554Q variant (also known as c.10661G>A), located in coding exon 75 of the DMD gene, results from a G to A substitution at nucleotide position 10661. The arginine at codon 3554 is replaced by glutamine, an amino acid with highly similar properties. This amino acid position is highly conserved in available vertebrate species. In addition, the in silico prediction for this alteration is inconclusive. Based on data from gnomAD, the A allele has an overall frequency of 0.0029% (6/204146) total alleles studied, with 1 hemizygote(s) observed. The highest observed frequency was 0.0189% (1/5287) of Other alleles. Based on the available evidence, the clinical significance of this variant remains unclear.

Natera, Inc.
Classification: Uncertain significance for Becker muscular dystrophy; Cardiomyopathy; Duchenne muscular dystrophy; Dystrophin deficiency. Last evaluated: 2020-06-18. Review status: no assertion criteria provided. Collection method: clinical testing. Allele origin: germline. Not counted in ClinVar's aggregate classification.

NM_004006.3(DMD):c.10661G>A (p.Arg3554Gln)

Gene: DMD (dystrophin; minus strand). Cytogenetic location: Xp21.2.
Variant type: single nucleotide variant.
Coding change: c.10661G>A on transcript NM_004006.3 (MANE Select); coding-DNA position 10661, G replaced by A.
Protein change: p.Arg3554Gln; replaces arginine 3554 with glutamine.
Molecular consequence: missense variant.
Genome position (GRCh38, 1-based): chrX:31,147,411, C>T on the plus strand (G>A on the coding strand, the complement: DMD is on the minus strand). VCF-style: chrX-31147411-C-T. GRCh37 (hg19) VCF-style: chrX-31165528-C-T.
Other names: c.10637G>A, p.Arg3546Gln (NM_000109.4); c.10649G>A, p.Arg3550Gln (NM_004009.3); c.10292G>A, p.Arg3431Gln (NM_004010.3); c.6638G>A, p.Arg2213Gln (NM_004011.4); c.6629G>A, p.Arg2210Gln (NM_004012.4); c.3281G>A, p.Arg1094Gln (NM_004013.3, NM_004021.3); c.2474G>A, p.Arg825Gln (NM_004014.3); c.1457G>A, p.Arg486Gln (NM_004015.3, NM_004016.3); and 3 more; short protein forms R2213Q, R3550Q, R486Q, R825Q, R1081Q, R3431Q, R3546Q, R3554Q.
Identifiers: ClinVar variation 966456 (VCV000966456.9), dbSNP rs199974153, ClinGen allele CA10377549.